The following is an entry in ClinVar:

NM_015443.4(KANSL1):c.2951C>A (p.Ser984Tyr)

Gene: KANSL1 (KAT8 regulatory NSL complex subunit 1). Cytogenetic location: 17q21.31.
Variant type: single nucleotide variant.
Coding change: c.2951C>A on transcript NM_015443.4 (MANE Select); coding-DNA position 2951, C replaced by A.
Protein change: p.Ser984Tyr; replaces serine 984 with tyrosine.
Molecular consequence: missense variant.
Genome position (GRCh38, 1-based): chr17:46,032,186, G>T on the plus strand (C>A on the coding strand, the complement: KANSL1 is on the minus strand). VCF-style: chr17-46032186-G-T. GRCh37 (hg19) VCF-style: chr17-44109552-G-T.
Other names: p.S984Y:TCC>TAC; c.2948C>A, p.Ser983Tyr (NM_001193465.2); c.2951C>A, p.Ser984Tyr (NM_001193466.2, NM_001379198.1); short protein forms S984Y, S983Y.
Identifiers: ClinVar variation 205751 (VCV000205751.1), dbSNP rs796052588, ClinGen allele CA315130.
Genomic context (GRCh38, chr17:46,032,186, plus strand): 5'-GGGGTGAGGGGTGCTGAGTGCAGTTCCGGGCTAATGGGGCTCCTAGGGGACTGACCATGG[G>T]AGTATTCTGACAAAGAGTGGCTACTGCTGACATCAGGGGAGGCAGGCTGGGGGGTGGAGG-3'
Protein context (NP_056258.1, residues 974-994): VSSSHSLSEY[Ser984Tyr]HGQSPRSPIS

ClinVar aggregate classification (germline): Likely benign (1 of 4 stars; one submission).

Submission:

GeneDx
Classification: Likely benign. Last evaluated: 2014-06-10. Review status: criteria provided, single submitter. Criteria: GeneDx Variant Classification (06012015). Collection method: clinical testing. Allele origin: germline. Affected: yes.
Comment: This variant is considered likely benign or benign based on one or more of the following criteria: it is a conservative change, it occurs at a poorly conserved position in the protein, it is predicted to be benign by multiple in silico algorithms, and/or has population frequency not consistent with disease.